The following is an entry in ClinVar:

ClinVar aggregate classification (germline): Benign/Likely benign. Review status: criteria provided, multiple submitters, no conflicts (2 of 4 stars). 3 submissions from 3 submitters: Benign (1); Likely benign (1). 1 of the submissions does not count toward it. Last evaluated 2024-10-02.

Conditions:
WDFY3-related disorder.

Allele frequency attached by ClinVar (database versions not stated): gnomAD exomes 0.00006 and 0.00026; ExAC 0.00037; TOPMed 0.00084; gnomAD 0.00099; 1000 Genomes Project 0.00120; 1000 Genomes Project 30x 0.00125; ESP Exome Variant Server 0.00131.
gnomAD v4.1: 244 of 1,614,062 alleles (0.015%); highest among the groups gnomAD compares: African/African-American, 0.29%; no homozygotes.

Submissions (3):

Blueprint Genetics
Classification: Likely benign. Last evaluated: 2024-10-02. Review status: criteria provided, single submitter. Criteria: ACMG Guidelines, 2015. Collection method: clinical testing. Allele origin: germline.

Labcorp Genetics (formerly Invitae), Labcorp
Classification: Benign. Last evaluated: 2018-09-11. Review status: criteria provided, single submitter. Criteria: Invitae Variant Classification Sherloc (09022015). Collection method: clinical testing. Allele origin: germline.

PreventionGenetics, part of Exact Sciences
Classification: Likely benign for WDFY3-related condition. Last evaluated: 2019-08-13. Review status: no assertion criteria provided. Collection method: clinical testing. Allele origin: germline. Not counted in ClinVar's aggregate classification.
Comment: This variant is classified as likely benign based on ACMG/AMP sequence variant interpretation guidelines (Richards et al. 2015 PMID: 25741868, with internal and published modifications).

NM_014991.6(WDFY3):c.6690C>T (p.His2230=)

Gene: WDFY3 (WD repeat and FYVE domain containing 3; minus strand). Cytogenetic location: 4q21.23.
Variant type: single nucleotide variant.
Coding change: c.6690C>T on transcript NM_014991.6 (MANE Select); coding-DNA position 6690, C replaced by T.
Protein change: p.His2230=; no amino-acid change (histidine 2230 retained).
Molecular consequence: synonymous variant.
Genome position (GRCh38, 1-based): chr4:84,737,251, G>A on the plus strand (C>T on the coding strand, the complement: WDFY3 is on the minus strand). VCF-style: chr4-84737251-G-A. GRCh37 (hg19) VCF-style: chr4-85658404-G-A.
Identifiers: ClinVar variation 745292 (VCV000745292.6), dbSNP rs139758320, ClinGen allele CA2992793.
Genomic context (GRCh38, chr4:84,737,251, plus strand): 5'-ATTCTGCCAGCACTTCAGGGCAGCTTCTTCAATGAGTGGCCTTGCTGTAGCTATGTCCAC[G>A]TGGCCCCTTTCATTCACAGGTAGAGTTACTTTGAAAAGTTCCTCTAAGACTTGTTTCTTA-3'
Protein context (NP_055806.2, residues 2220-2240): KVTLPVNERG[His2230=]VDIATARPLI